The following is an entry in ClinVar:

ClinVar aggregate classification (germline): Uncertain significance. Review status: criteria provided, multiple submitters, no conflicts (2 of 4 stars). 4 submissions from 4 submitters: Uncertain significance (4). Last evaluated 2025-12-01.

Conditions:
Catecholaminergic polymorphic ventricular tachycardia 1. Also called: RYR2-Related Catecholaminergic Polymorphic Ventricular Tachycardia; VENTRICULAR TACHYCARDIA, STRESS-INDUCED POLYMORPHIC 1; VENTRICULAR TACHYCARDIA, CATECHOLAMINERGIC POLYMORPHIC, 1, WITH OR WITHOUT ATRIAL DYSFUNCTION AND/OR DILATED CARDIOMYOPATHY. Identifiers: Orphanet 3286, MedGen C1631597, MONDO:0011484, OMIM 604772.
Cardiomyopathy (CMYO). Also called: Cardiomyopathies. Identifiers: Orphanet 167848, MedGen C0878544, MONDO:0004994, HP:0001638. Inheritance: Various modes of inheritance.
Cardiovascular phenotype. Identifiers: MedGen CN230736.

Allele frequency attached by ClinVar (database versions not stated): gnomAD 0.00001; TOPMed 0.00001; gnomAD exomes 0.00005.
gnomAD v4.1: 68 of 1,611,682 alleles (0.0042%); highest among the groups gnomAD compares: Non-Finnish European, 0.0058%; no homozygotes.

Submissions (4):

CeGaT Center for Human Genetics Tuebingen
Classification: Uncertain significance. Last evaluated: 2025-12-01. Review status: criteria provided, single submitter. Criteria: CeGaT Center For Human Genetics Tuebingen Variant Classification Criteria Version 2. Collection method: clinical testing. Allele origin: germline. Affected: yes. Observed: 1 variant allele.

Labcorp Genetics (formerly Invitae), Labcorp
Classification: Uncertain significance for Catecholaminergic polymorphic ventricular tachycardia 1. Last evaluated: 2024-10-16. Review status: criteria provided, single submitter. Criteria: Invitae Variant Classification Sherloc (09022015). Collection method: clinical testing. Allele origin: germline.
Comment: This sequence change replaces lysine, which is basic and polar, with arginine, which is basic and polar, at codon 3546 of the RYR2 protein (p.Lys3546Arg). This variant is not present in population databases (gnomAD no frequency). This variant has not been reported in the literature in individuals affected with RYR2-related conditions. ClinVar contains an entry for this variant (Variation ID: 923219). Invitae Evidence Modeling of protein sequence and biophysical properties (such as structural, functional, and spatial information, amino acid conservation, physicochemical variation, residue mobility, and thermodynamic stability) indicates that this missense variant is not expected to disrupt RYR2 protein function with a negative predictive value of 95%. In summary, the available evidence is currently insufficient to determine the role of this variant in disease. Therefore, it has been classified as a Variant of Uncertain Significance.

Color Diagnostics, LLC DBA Color Health
Classification: Uncertain significance for Cardiomyopathy. Last evaluated: 2024-09-04. Review status: criteria provided, single submitter. Criteria: ACMG Guidelines, 2015. Collection method: clinical testing. Allele origin: germline.
Comment: This missense variant replaces lysine with arginine at codon 3546 of the RYR2 protein. Computational prediction suggests that this variant may not impact protein structure and function. To our knowledge, functional studies have not been reported for this variant. This variant has not been reported in individuals affected with RYR2-related disorders in the literature. This variant has not been identified in the general population by the Genome Aggregation Database (gnomAD). The available evidence is insufficient to determine the role of this variant in disease conclusively. Therefore, this variant is classified as a Variant of Uncertain Significance.

Ambry Genetics
Classification: Uncertain significance for Cardiovascular phenotype. Last evaluated: 2020-09-14. Review status: criteria provided, single submitter. Criteria: Ambry Variant Classification Scheme 2023. Collection method: clinical testing. Allele origin: germline.
Comment: The p.K3546R variant (also known as c.10637A>G), located in coding exon 74 of the RYR2 gene, results from an A to G substitution at nucleotide position 10637. The lysine at codon 3546 is replaced by arginine, an amino acid with highly similar properties. This amino acid position is not well conserved in available vertebrate species, and arginine is the reference amino acid in other vertebrate species. In addition, this alteration is predicted to be tolerated by in silico analysis. Since supporting evidence is limited at this time, the clinical significance of this alteration remains unclear.

NM_001035.3(RYR2):c.10637A>G (p.Lys3546Arg)

Gene: RYR2 (ryanodine receptor 2; plus strand). Cytogenetic location: 1q43.
Variant type: single nucleotide variant.
Coding change: c.10637A>G on transcript NM_001035.3 (MANE Select); coding-DNA position 10637, A replaced by G.
Protein change: p.Lys3546Arg; replaces lysine 3546 with arginine.
Molecular consequence: missense variant.
Genome position (GRCh38, 1-based): chr1:237,723,210, A>G. VCF-style: chr1-237723210-A-G. GRCh37 (hg19) VCF-style: chr1-237886510-A-G.
Other names: short protein forms K3546R.
Identifiers: ClinVar variation 923219 (VCV000923219.16), dbSNP rs1011095512, ClinGen allele CA39804303.